The following is an entry in ClinVar:

NM_016203.4(PRKAG2):c.642G>A (p.Arg214=)

Gene: PRKAG2 (protein kinase AMP-activated non-catalytic subunit gamma 2; minus strand). Cytogenetic location: 7q36.1.
Variant type: single nucleotide variant.
Coding change: c.642G>A on transcript NM_016203.4 (MANE Select); coding-DNA position 642, G replaced by A.
Protein change: p.Arg214=; no amino-acid change (arginine 214 retained).
Molecular consequence: synonymous variant. On other transcripts: intron variant (5).
Genome position (GRCh38, 1-based): chr7:151,675,462, C>T on the plus strand (G>A on the coding strand, the complement: PRKAG2 is on the minus strand). VCF-style: chr7-151675462-C-T. GRCh37 (hg19) VCF-style: chr7-151372548-C-T.
Other names: c.510G>A, p.Arg170= (NM_001040633.2, NM_001407024.1, NM_001407026.1 and 1 more transcripts); c.270G>A, p.Arg90= (NM_001304527.2, NM_001363698.2, NM_001407028.1 and 1 more transcripts); c.642G>A, p.Arg214= (NM_001407021.1, NM_001407022.1, NM_001407023.1); c.324G>A, p.Arg108= (NM_001407032.1); c.467-80011G>A (NM_001407031.1); c.467-80008G>A (NM_001407030.1); c.361-43324G>A (NM_001407033.1); c.94+60438G>A (NM_001407037.1); and 1 more.
Identifiers: ClinVar variation 3387535 (VCV003387535.3).

ClinVar aggregate classification (germline): Likely benign. Review status: criteria provided, multiple submitters, no conflicts (2 of 4 stars). 2 submissions from 2 submitters: Likely benign (2). Last evaluated 2025-06-24.

Conditions:
Hypertrophic cardiomyopathy. Also called: HYPERTROPHIC MYOCARDIOPATHY. Identifiers: Orphanet 217569, MedGen C0007194, MeSH D002312, MONDO:0005045, HP:0001639.
Lethal congenital glycogen storage disease of heart. Also called: GLYCOGEN STORAGE DISEASE OF HEART; PHOSPHORYLASE KINASE DEFICIENCY OF HEART. Identifiers: Orphanet 439854, MedGen C1849813, MONDO:0009867, OMIM 261740.

Submissions (2):

Labcorp Genetics (formerly Invitae), Labcorp
Classification: Likely benign for Lethal congenital glycogen storage disease of heart. Last evaluated: 2025-06-24. Review status: criteria provided, single submitter. Criteria: Invitae Variant Classification Sherloc (09022015). Collection method: clinical testing. Allele origin: germline.

All of Us Research Program, National Institutes of Health
Classification: Likely benign for Hypertrophic cardiomyopathy. Last evaluated: 2024-02-22. Review status: criteria provided, single submitter. Criteria: ACMG Guidelines, 2015. Collection method: clinical testing. Allele origin: germline. Inheritance: Autosomal dominant inheritance. Observed: 1 variant allele, 1 heterozygote.
Comment: This study involves interpretation of variants in research participants for the purpose of population health screening. Participant phenotype was not available at the time of variant classification. Additional details can be found in publication PMID: 35346344, PMCID: PMC8962531